The following is an entry in ClinVar:

NM_001244008.2(KIF1A):c.3067C>T (p.Gln1023Ter)

Gene: KIF1A (kinesin family member 1A; minus strand). Cytogenetic location: 2q37.3.
Variant type: single nucleotide variant.
Coding change: c.3067C>T on transcript NM_001244008.2 (MANE Select); coding-DNA position 3067, C replaced by T.
Protein change: p.Gln1023Ter; replaces glutamine 1023 with a stop codon.
Molecular consequence: nonsense.
Genome position (GRCh38, 1-based): chr2:240,746,174, G>A on the plus strand (C>T on the coding strand, the complement: KIF1A is on the minus strand). VCF-style: chr2-240746174-G-A. GRCh37 (hg19) VCF-style: chr2-241685591-G-A.
Other names: c.2791C>T, p.Gln931Ter (NM_001320705.2, NM_001330289.2, NM_001379638.1); c.2866C>T, p.Gln956Ter (NM_001330290.2, NM_001379634.1, NM_001379635.1 and 1 more transcripts); c.3142C>T, p.Gln1048Ter (NM_001379631.1); c.3016C>T, p.Gln1006Ter (NM_001379632.1); c.3040C>T, p.Gln1014Ter (NM_001379633.1, NM_001379642.1, NM_001379645.1); c.2764C>T, p.Gln922Ter (NM_001379636.1, NM_001379639.1, NM_001379640.1 and 6 more transcripts); c.2839C>T, p.Gln947Ter (NM_001379637.1, NM_001379648.1); short protein forms Q1023*, Q922*, Q931*, Q956*, Q1006*, Q1014*, Q1048*, Q947*.
Identifiers: ClinVar variation 489202 (VCV000489202.2), dbSNP rs1426121066, ClinGen allele CA351319035.

ClinVar aggregate classification (germline): Uncertain significance (1 of 4 stars; one submission).

Submission:

GeneDx
Classification: Uncertain significance. Last evaluated: 2017-11-29. Review status: criteria provided, single submitter. Criteria: GeneDx Variant Classification (06012015). Collection method: clinical testing. Allele origin: germline. Affected: yes.
Comment: The Q922X variant has not been published as a pathogenic variant, nor has it been reported as a benign variant to our knowledge. The Q922X variant is not observed in large population cohorts (Lek et al., 2016). The Q922X nonsense variant is predicted to cause loss of normal protein function either through protein truncation or nonsense-mediated mRNA decay. However, the vast majority of variants reported in association with KIF1A-related disorders are missense variants (Stenson et al., 2014). Therefore, based on the currently available information, it is unclear whether this variant is a pathogenic variant or a rare benign variant.